The following is an entry in ClinVar:

ClinVar aggregate classification (germline): Uncertain significance (1 of 4 stars; one submission).

Submission:

GeneDx
Classification: Uncertain significance. Last evaluated: 2025-03-10. Review status: criteria provided, single submitter. Criteria: GeneDx Variant Classification Process June 2021. Collection method: clinical testing. Allele origin: germline. Affected: yes.
Comment: Not observed at significant frequency in large population cohorts (gnomAD); In silico analysis supports that this missense variant has a deleterious effect on protein structure/function; Has not been previously published as pathogenic or benign to our knowledge

NM_001128.6(AP1G1):c.515T>G (p.Met172Arg)

Gene: AP1G1 (adaptor related protein complex 1 subunit gamma 1; minus strand). Cytogenetic location: 16q22.2.
Variant type: single nucleotide variant.
Coding change: c.515T>G on transcript NM_001128.6 (MANE Select); coding-DNA position 515, T replaced by G.
Protein change: p.Met172Arg; replaces methionine 172 with arginine.
Molecular consequence: missense variant.
Genome position (GRCh38, 1-based): chr16:71,771,206, A>C on the plus strand (T>G on the coding strand, the complement: AP1G1 is on the minus strand). VCF-style: chr16-71771206-A-C. GRCh37 (hg19) VCF-style: chr16-71805109-A-C.
Other names: c.515T>G, p.Met172Arg (NM_001030007.2); short protein forms M172R.
Identifiers: ClinVar variation 4083118 (VCV004083118.1).